The following is an entry in ClinVar:

NM_139321.3(ATRN):c.1877T>C (p.Met626Thr)

Gene: ATRN (attractin; plus strand). Cytogenetic location: 20p13.
Variant type: single nucleotide variant.
Coding change: c.1877T>C on transcript NM_139321.3 (MANE Select); coding-DNA position 1877, T replaced by C.
Protein change: p.Met626Thr; replaces methionine 626 with threonine.
Molecular consequence: missense variant.
Genome position (GRCh38, 1-based): chr20:3,572,736, T>C. VCF-style: chr20-3572736-T-C. GRCh37 (hg19) VCF-style: chr20-3553383-T-C.
Other names: c.1529T>C, p.Met510Thr (NM_001207047.3); c.1877T>C, p.Met626Thr (NM_001323332.2, NM_139322.4); short protein forms M510T, M626T.
Identifiers: ClinVar variation 3619580 (VCV003619580.2).

ClinVar aggregate classification (germline): Uncertain significance (1 of 4 stars; one submission).

gnomAD v4.1: 3 of 1,613,518 alleles (0.00019%); highest among the groups gnomAD compares: Middle Eastern, 0.033%; no homozygotes.

Submission:

Labcorp Genetics (formerly Invitae), Labcorp
Classification: Uncertain significance. Last evaluated: 2024-05-28. Review status: criteria provided, single submitter. Criteria: Invitae Variant Classification Sherloc (09022015). Collection method: clinical testing. Allele origin: germline.
Comment: This sequence change replaces methionine, which is neutral and non-polar, with threonine, which is neutral and polar, at codon 626 of the ATRN protein (p.Met626Thr). This variant is not present in population databases (gnomAD no frequency). This variant has not been reported in the literature in individuals affected with ATRN-related conditions. An algorithm developed to predict the effect of missense changes on protein structure and function (PolyPhen-2) suggests that this variant is likely to be disruptive. In summary, the available evidence is currently insufficient to determine the role of this variant in disease. Therefore, it has been classified as a Variant of Uncertain Significance.